The following is an entry in ClinVar:

ClinVar aggregate classification (germline): Pathogenic (1 of 4 stars; one submission).

Submission:

Labcorp Genetics (formerly Invitae), Labcorp
Classification: Pathogenic. Last evaluated: 2023-12-04. Review status: criteria provided, single submitter. Criteria: Invitae Variant Classification Sherloc (09022015). Collection method: clinical testing. Allele origin: germline.
Comment: This sequence change creates a premature translational stop signal (p.Gln107Argfs*12) in the ERCC6 gene. It is expected to result in an absent or disrupted protein product. Loss-of-function variants in ERCC6 are known to be pathogenic (PMID: 18628313, 29572252). This variant is not present in population databases (gnomAD no frequency). This variant has not been reported in the literature in individuals affected with ERCC6-related conditions. For these reasons, this variant has been classified as Pathogenic.

Literature cited by the submitters: PubMed 18628313; PubMed 29572252.

NM_000124.4(ERCC6):c.320_321del (p.Gln107fs)

Gene: ERCC6 (ERCC excision repair 6, chromatin remodeling factor; minus strand). Cytogenetic location: 10q11.23.
Variant type: Deletion.
Coding change: c.320_321del on transcript NM_000124.4 (MANE Select); coding-DNA positions 320 to 321, 2 bases deleted (AG; older notation c.320_321delAG).
Protein change: p.Gln107fs; shifts the reading frame from glutamine 107.
Molecular consequence: frameshift variant.
Genome position (GRCh38, 1-based): chr10:49,532,644-49,532,645, CT deleted on the plus strand (AG on the coding strand, the reverse complement: ERCC6 is on the minus strand). VCF-style (leftmost placement, unchanged base first): chr10-49532643-CCT-C. GRCh37 (hg19) VCF-style: chr10-50740689-CCT-C.
Other names: c.320_321del, p.Gln107fs (NM_001277058.2, NM_001277059.2, NM_001346440.2); short protein forms Q107fs.
Identifiers: ClinVar variation 3018912 (VCV003018912.3), dbSNP rs2496173488, ClinGen allele CA2574545018.
Genomic context (GRCh38, chr10:49,532,643, plus strand): 5'-CAACGAGCTGGGAGGCACGGCTGGCCTCATGGATGGCATTGTCCACCTGCTGAAGCACTC[CCT>C]GTTCCAGCACGTCCTGGTCATAGACGTCCACACCCAAACCCTGCAGCTCAAGGGCCTGGG-3'